The following is an entry in ClinVar:

NM_000051.4(ATM):c.2639-21A>G

Gene: ATM (ATM serine/threonine kinase; plus strand). Cytogenetic location: 11q22.3.
Variant type: single nucleotide variant.
Coding change: c.2639-21A>G on transcript NM_000051.4 (MANE Select); 21 bases into the intron before coding-DNA position 2639, A replaced by G.
Molecular consequence: intron variant.
Genome position (GRCh38, 1-based): chr11:108,268,389, A>G. VCF-style: chr11-108268389-A-G. GRCh37 (hg19) VCF-style: chr11-108139116-A-G.
Other names: c.2639-21A>G (NM_001351834.2).
Identifiers: ClinVar variation 1686476 (VCV001686476.4), dbSNP rs2135522420, ClinGen allele CA2573146431.

ClinVar aggregate classification (germline): Conflicting classifications of pathogenicity. Review status: criteria provided, conflicting classifications (1 of 4 stars). 3 submissions from 3 submitters: Likely pathogenic (1); Uncertain significance (2). Last evaluated 2026-01-12.

Conditions:
Ataxia-telangiectasia syndrome (AT). Also called: LOUIS-BAR SYNDROME; Cerebello-oculocutaneous telangiectasia; Immunodeficiency with ataxia telangiectasia; Ataxia-telangiectasia, complementation group E; Ataxia telangiectasia (A-T); Ataxia-telangiectasia, complementation group D. Identifiers: Orphanet 100, MedGen C0004135, MONDO:0008840, OMIM 208900.
Familial cancer of breast. Also called: BREAST CANCER, FAMILIAL; Hereditary breast cancer; hereditary breast carcinoma. Identifiers: Orphanet 227535, MedGen C0346153, MONDO:0016419, OMIM 114480. Disease mechanism: loss of function.

Submissions (3):

Myriad Genetics, Inc.
Classification: Likely pathogenic for Familial cancer of breast. Last evaluated: 2026-01-12. Review status: criteria provided, single submitter. Criteria: Myriad Autosomal Dominant, Autosomal Recessive and X-Linked Classification Criteria (2023). Collection method: clinical testing. Allele origin: unknown.
Comment: This variant is considered likely pathogenic. This variant has been reported in an individual with clinical features of gene-specific disease [PMID: 37438524]. mRNA analysis has demonstrated abnormal mRNA splicing occurs [Myriad internal data].

Labcorp Genetics (formerly Invitae), Labcorp
Classification: Uncertain significance for Ataxia-telangiectasia syndrome. Last evaluated: 2025-11-30. Review status: criteria provided, single submitter. Criteria: Invitae Variant Classification Sherloc (09022015). Collection method: clinical testing. Allele origin: germline.
Comment: This sequence change falls in intron 17 of the ATM gene. It does not directly change the encoded amino acid sequence of the ATM protein. This variant is not present in population databases (gnomAD no frequency). This variant has not been reported in the literature in individuals affected with ATM-related conditions. ClinVar contains an entry for this variant (Variation ID: 1686476). Algorithms developed to predict the effect of sequence changes on RNA splicing suggest that this variant may disrupt the consensus splice site. In summary, the available evidence is currently insufficient to determine the role of this variant in disease. Therefore, it has been classified as a Variant of Uncertain Significance.

Mendelics
Classification: Uncertain significance. Last evaluated: 2022-05-04. Review status: criteria provided, single submitter. Criteria: Mendelics Assertion Criteria 2019. Collection method: clinical testing. Allele origin: germline.

Literature cited by the submitters: PubMed 37438524 (cited by Myriad Genetics, Inc.).